The following is an entry in ClinVar:

NM_012188.5(FOXI1):c.1044T>C (p.Tyr348=)

Gene: FOXI1 (forkhead box I1; plus strand). Cytogenetic location: 5q35.1.
Variant type: single nucleotide variant.
Coding change: c.1044T>C on transcript NM_012188.5 (MANE Select); coding-DNA position 1044, T replaced by C.
Protein change: p.Tyr348=; no amino-acid change (tyrosine 348 retained).
Molecular consequence: synonymous variant.
Genome position (GRCh38, 1-based): chr5:170,108,518, T>C. VCF-style: chr5-170108518-T-C. GRCh37 (hg19) VCF-style: chr5-169535522-T-C.
Other names: p.Tyr348=; c.759T>C, p.Tyr253= (NM_144769.4).
Identifiers: ClinVar variation 260212 (VCV000260212.23), dbSNP rs10063424, ClinGen allele CA3555163.

ClinVar aggregate classification (germline): Benign. Review status: criteria provided, multiple submitters, no conflicts (2 of 4 stars). 9 submissions from 9 submitters: Benign (7). 2 of the submissions do not count toward it. Last evaluated 2026-02-04.

Conditions:
Autosomal recessive nonsyndromic hearing loss 4 (DFNB4). Also called: NEUROSENSORY NONSYNDROMIC RECESSIVE DEAFNESS 4; Deafness, autosomal recessive 4; Enlarged vestibular aqueduct, digenic; Deafness, autosomal recessive 4, with enlarged vestibular aqueduct; Nonsyndromic enlarged vestibular aqueduct (NSEVA); FOXI1-Related Pendred Syndrome. Identifiers: Orphanet 90636, MedGen C3538946, MONDO:0010933, OMIM 600791.

Allele frequency attached by ClinVar (database versions not stated): gnomAD 0.90200 and 0.90525; TOPMed 0.90750; ESP Exome Variant Server 0.90758; ExAC 0.90890; gnomAD exomes 0.91086 and 0.91132; 1000 Genomes Project 30x 0.92661; 1000 Genomes Project 0.92951.

Submissions (9):

Labcorp Genetics (formerly Invitae), Labcorp
Classification: Benign. Last evaluated: 2026-02-04. Review status: criteria provided, single submitter. Criteria: Invitae Variant Classification Sherloc (09022015). Collection method: clinical testing. Allele origin: germline.

Blueprint Genetics
Classification: Benign. Last evaluated: 2024-11-26. Review status: criteria provided, single submitter. Criteria: ACMG Guidelines, 2015. Collection method: clinical testing. Allele origin: germline.

Mayo Clinic Laboratories, Mayo Clinic
Classification: Benign. Last evaluated: 2022-03-09. Review status: criteria provided, single submitter. Criteria: ACMG Guidelines, 2015. Collection method: clinical testing. Allele origin: germline. Observed: 331 variant alleles.

Genome-Nilou Lab
Classification: Benign for Autosomal recessive nonsyndromic hearing loss 4. Last evaluated: 2021-08-10. Review status: criteria provided, single submitter. Criteria: ACMG Guidelines, 2015. Collection method: clinical testing. Allele origin: germline. Affected: no.

GeneDx
Classification: Benign. Last evaluated: 2018-11-11. Review status: criteria provided, single submitter. Criteria: GeneDx Variant Classification Process June 2021. Collection method: clinical testing. Allele origin: germline. Affected: yes.

Illumina Laboratory Services, Illumina
Classification: Benign for Autosomal recessive nonsyndromic hearing loss 4. Last evaluated: 2018-01-13. Review status: criteria provided, single submitter. Criteria: ICSL Variant Classification Criteria 13 December 2019. Collection method: clinical testing. Allele origin: germline.
Comment: This variant was observed in the ICSL laboratory as part of a predisposition screen in an ostensibly healthy population. It had not been previously curated by ICSL or reported in the Human Gene Mutation Database (HGMD: prior to June 1st, 2018), and was therefore a candidate for classification through an automated scoring system. Utilizing variant allele frequency, disease prevalence and penetrance estimates, and inheritance mode, an automated score was calculated to assess if this variant is too frequent to cause the disease. Based on the score and internal cut-off values, a variant classified as benign is not then subjected to further curation. The score for this variant resulted in a classification of benign for this disease.

PreventionGenetics, part of Exact Sciences
Classification: Benign. Review status: criteria provided, single submitter. Criteria: ACMG Guidelines, 2015. Collection method: clinical testing. Allele origin: germline.

Diagnostic Laboratory, Department of Genetics, University Medical Center Groningen
Classification: Benign. Review status: no assertion criteria provided. Collection method: clinical testing. Allele origin: germline. Affected: yes. Study: VKGL Data-share Consensus. Not counted in ClinVar's aggregate classification.

Joint Genome Diagnostic Labs from Nijmegen and Maastricht, Radboudumc and MUMC+
Classification: Benign. Review status: no assertion criteria provided. Collection method: clinical testing. Allele origin: germline. Affected: yes. Study: VKGL Data-share Consensus. Not counted in ClinVar's aggregate classification.